The following is an entry in ClinVar:

ClinVar aggregate classification (germline): Uncertain significance. Review status: criteria provided, multiple submitters, no conflicts (2 of 4 stars). 2 submissions from 2 submitters: Uncertain significance (2). Last evaluated 2025-11-20.

Conditions:
Hereditary cancer-predisposing syndrome. Also called: Neoplastic Syndromes, Hereditary; Tumor predisposition; Hereditary Cancer Syndrome; Hereditary neoplastic syndrome. Identifiers: Orphanet 140162, MedGen C0027672, MeSH D009386, MONDO:0015356.
Juvenile polyposis syndrome (JPS). Identifiers: Orphanet 2929, MedGen C0345893, MONDO:0017380, OMIM 174900.

Submissions (2):

Ambry Genetics
Classification: Uncertain significance for Hereditary cancer-predisposing syndrome. Last evaluated: 2025-11-20. Review status: criteria provided, single submitter. Criteria: Ambry Variant Classification Scheme 2023. Collection method: clinical testing. Allele origin: germline.
Comment: The p.A13S variant (also known as c.37G>T), located in coding exon 1 of the BMPR1A gene, results from a G to T substitution at nucleotide position 37. The alanine at codon 13 is replaced by serine, an amino acid with similar properties. This amino acid position is well conserved in available vertebrate species. In addition, this alteration is predicted to be tolerated by in silico analysis. Since supporting evidence is limited at this time, the clinical significance of this alteration remains unclear.

Labcorp Genetics (formerly Invitae), Labcorp
Classification: Uncertain significance for Juvenile polyposis syndrome. Last evaluated: 2025-03-20. Review status: criteria provided, single submitter. Criteria: Invitae Variant Classification Sherloc (09022015). Collection method: clinical testing. Allele origin: germline.
Comment: This sequence change replaces alanine, which is neutral and non-polar, with serine, which is neutral and polar, at codon 13 of the BMPR1A protein (p.Ala13Ser). This variant is not present in population databases (gnomAD no frequency). This variant has not been reported in the literature in individuals affected with BMPR1A-related conditions. ClinVar contains an entry for this variant (Variation ID: 1735055). Invitae Evidence Modeling of protein sequence and biophysical properties (such as structural, functional, and spatial information, amino acid conservation, physicochemical variation, residue mobility, and thermodynamic stability) indicates that this missense variant is not expected to disrupt BMPR1A protein function with a negative predictive value of 95%. In summary, the available evidence is currently insufficient to determine the role of this variant in disease. Therefore, it has been classified as a Variant of Uncertain Significance.

NM_004329.3(BMPR1A):c.37G>T (p.Ala13Ser)

Gene: BMPR1A (bone morphogenetic protein receptor type 1A; plus strand). Cytogenetic location: 10q23.2.
Variant type: single nucleotide variant.
Coding change: c.37G>T on transcript NM_004329.3 (MANE Select); coding-DNA position 37, G replaced by T.
Protein change: p.Ala13Ser; replaces alanine 13 with serine.
Molecular consequence: missense variant.
Genome position (GRCh38, 1-based): chr10:86,876,055, G>T. VCF-style: chr10-86876055-G-T. GRCh37 (hg19) VCF-style: chr10-88635812-G-T.
Other names: c.37G>T, p.Ala13Ser (NM_001406559.1, NM_001406560.1, NM_001406561.1 and 23 more transcripts); c.-43G>T (NM_001406588.1); short protein forms A13S.
Identifiers: ClinVar variation 1735055 (VCV001735055.5), dbSNP rs200115604, ClinGen allele CA377774815.